The following is an entry in ClinVar:

ClinVar aggregate classification (germline): Uncertain significance (1 of 4 stars; one submission).

Allele frequency attached by ClinVar (database versions not stated): TOPMed below 0.00001.
gnomAD v4.1: 2 of 1,612,094 alleles (0.00012%); highest among the groups gnomAD compares: South Asian, 0.0022%; 1 homozygote.

Submission:

Ambry Genetics
Classification: Uncertain significance. Last evaluated: 2023-10-01. Review status: criteria provided, single submitter. Criteria: Ambry Variant Classification Scheme 2023. Collection method: clinical testing. Allele origin: germline.
Comment: The p.V151M variant (also known as c.451G>A), located in coding exon 3 of the MNDA gene, results from a G to A substitution at nucleotide position 451. The valine at codon 151 is replaced by methionine, an amino acid with highly similar properties. This amino acid position is conserved. In addition, this alteration is predicted to be tolerated by in silico analysis. Since supporting evidence is limited at this time, the clinical significance of this alteration remains unclear.

NM_002432.3(MNDA):c.451G>A (p.Val151Met)

Gene: MNDA (myeloid cell nuclear differentiation antigen; plus strand). Cytogenetic location: 1q23.1.
Variant type: single nucleotide variant.
Coding change: c.451G>A on transcript NM_002432.3 (MANE Select); coding-DNA position 451, G replaced by A.
Protein change: p.Val151Met; replaces valine 151 with methionine.
Molecular consequence: missense variant.
Genome position (GRCh38, 1-based): chr1:158,844,003, G>A. VCF-style: chr1-158844003-G-A. GRCh37 (hg19) VCF-style: chr1-158813793-G-A.
Other names: short protein forms V151M.
Identifiers: ClinVar variation 3222193 (VCV003222193.1), dbSNP rs1659083744, ClinGen allele CA343039227.
Genomic context (GRCh38, chr1:158,844,003, plus strand): 5'-AACTACTTTCAGAAAAGAAAAACTCCAAACAAAGAAAAGACTGAAGCCAAAAGGAATAAG[G>A]TGTCCCAAGAGCAGAGTAAGCCCCCAGGTCCCTCAGGAGCCAGCACATCTGCAGCTGTGG-3'
Protein context (NP_002423.1, residues 141-161): KEKTEAKRNK[Val151Met]SQEQSKPPGP